The following is an entry in ClinVar:

NM_031885.5(BBS2):c.1969G>T (p.Gly657Ter)

Gene: BBS2 (Bardet-Biedl syndrome 2; minus strand). Cytogenetic location: 16q13.
Variant type: single nucleotide variant.
Coding change: c.1969G>T on transcript NM_031885.5 (MANE Select); coding-DNA position 1969, G replaced by T.
Protein change: p.Gly657Ter; replaces glycine 657 with a stop codon.
Molecular consequence: nonsense. On other transcripts: non-coding transcript variant (5).
Genome position (GRCh38, 1-based): chr16:56,485,680, C>A on the plus strand (G>T on the coding strand, the complement: BBS2 is on the minus strand). VCF-style: chr16-56485680-C-A. GRCh37 (hg19) VCF-style: chr16-56519592-C-A.
Other names: c.1969G>T, p.Gly657Ter (NM_001377456.1); short protein forms G657*.
Identifiers: ClinVar variation 554529 (VCV000554529.6), dbSNP rs1166717771, ClinGen allele CA395973415.

ClinVar aggregate classification (germline): Pathogenic/Likely pathogenic. Review status: criteria provided, multiple submitters, no conflicts (2 of 4 stars). 3 submissions from 3 submitters: Pathogenic (1); Likely pathogenic (1). 1 of the submissions does not count toward it. Last evaluated 2023-07-17.

Conditions:
Bardet-Biedl syndrome (BBS). Identifiers: Orphanet 110, MedGen C0752166, MONDO:0015229.
Bardet-Biedl syndrome 2 (BBS2). Identifiers: Orphanet 110, MedGen C2936863, MONDO:0014432, OMIM 615981.

Submissions (3):

Labcorp Genetics (formerly Invitae), Labcorp
Classification: Pathogenic for Bardet-Biedl syndrome. Last evaluated: 2023-07-17. Review status: criteria provided, single submitter. Criteria: Invitae Variant Classification Sherloc (09022015). Collection method: clinical testing. Allele origin: germline.
Comment: This sequence change creates a premature translational stop signal (p.Gly657*) in the BBS2 gene. It is expected to result in an absent or disrupted protein product. Loss-of-function variants in BBS2 are known to be pathogenic (PMID: 11285252, 20177705, 24608809, 26518167). This variant is not present in population databases (gnomAD no frequency). This variant has not been reported in the literature in individuals affected with BBS2-related conditions. ClinVar contains an entry for this variant (Variation ID: 554529). For these reasons, this variant has been classified as Pathogenic.

Baylor Genetics
Classification: Likely pathogenic for Bardet-Biedl syndrome 2. Last evaluated: 2023-04-04. Review status: criteria provided, single submitter. Criteria: ACMG Guidelines, 2015. Collection method: clinical testing. Allele origin: unknown.

Counsyl
Classification: Likely pathogenic for Bardet-Biedl syndrome 2. Last evaluated: 2017-10-24. Review status: no assertion criteria provided. Collection method: clinical testing. Allele origin: unknown. Not counted in ClinVar's aggregate classification.

Literature cited by the submitters: PubMed 11285252 (cited by Labcorp Genetics (formerly Invitae), Labcorp); PubMed 20177705 (cited by Labcorp Genetics (formerly Invitae), Labcorp); PubMed 24608809 (cited by Labcorp Genetics (formerly Invitae), Labcorp); PubMed 26518167 (cited by Labcorp Genetics (formerly Invitae), Labcorp).